The following is an entry in ClinVar:

NM_004260.4(RECQL4):c.1559G>T (p.Ser520Ile)

Gene: RECQL4 (RecQ like helicase 4; minus strand). Cytogenetic location: 8q24.3.
Variant type: single nucleotide variant.
Coding change: c.1559G>T on transcript NM_004260.4 (MANE Select); coding-DNA position 1559, G replaced by T.
Protein change: p.Ser520Ile; replaces serine 520 with isoleucine.
Molecular consequence: missense variant.
Genome position (GRCh38, 1-based): chr8:144,514,997, C>A on the plus strand (G>T on the coding strand, the complement: RECQL4 is on the minus strand). VCF-style: chr8-144514997-C-A. GRCh37 (hg19) VCF-style: chr8-145740381-C-A.
Other names: c.422G>T, p.Ser141Ile (NM_001413032.1, NM_001413027.1, NM_001413030.1 and 2 more transcripts); c.1559G>T, p.Ser520Ile (NM_001413033.1, NM_001413018.1, NM_001413019.1 and 1 more transcripts); c.488G>T, p.Ser163Ile (NM_001413034.1, NM_001413035.1, NM_001413021.1 and 7 more transcripts); c.1463G>T, p.Ser488Ile (NM_001413017.1, NM_001413020.1); c.1430G>T, p.Ser477Ile (NM_001413025.1); c.1208G>T, p.Ser403Ile (NM_001413029.1); c.458G>T, p.Ser153Ile (NM_001413042.1); c.92G>T, p.Ser31Ile (NM_001413043.1); and 1 more; short protein forms S141I, S153I, S163I, S31I, S403I, S477I, S488I, S510I.
Identifiers: ClinVar variation 1717637 (VCV001717637.5), dbSNP rs936553682, ClinGen allele CA372683771.
Genomic context (GRCh38, chr8:144,514,997, plus strand): 5'-TGGTCATCCATGAGTGACAGCAGGGGAGAGACGACCAACGTGAGGCAGGGGCTGCGCCGG[C>A]TGTAGAGCAGCGCTGGGAGCTGGTAGCACAGGGACTTGCCGGCACCTGTAGGCAGCACCA-3'
Protein context (NP_004251.4, residues 510-530): LCYQLPALLY[Ser520Ile]RRSPCLTLVV

ClinVar aggregate classification (germline): Uncertain significance (1 of 4 stars; one submission).

Conditions:
Baller-Gerold syndrome (BGS). Also called: CRANIOSYNOSTOSIS WITH RADIAL DEFECTS. Identifiers: Orphanet 1225, MedGen C0265308, MONDO:0009039, OMIM 218600.

Submission:

Labcorp Genetics (formerly Invitae), Labcorp
Classification: Uncertain significance for Baller-Gerold syndrome. Last evaluated: 2022-07-28. Review status: criteria provided, single submitter. Criteria: Invitae Variant Classification Sherloc (09022015). Collection method: clinical testing. Allele origin: germline.
Comment: This variant is not present in population databases (gnomAD no frequency). This sequence change replaces serine, which is neutral and polar, with isoleucine, which is neutral and non-polar, at codon 520 of the RECQL4 protein (p.Ser520Ile). This variant has not been reported in the literature in individuals affected with RECQL4-related conditions. Experimental studies and prediction algorithms are not available or were not evaluated, and the functional significance of this variant is currently unknown. In summary, the available evidence is currently insufficient to determine the role of this variant in disease. Therefore, it has been classified as a Variant of Uncertain Significance.